The following is an entry in ClinVar:

NM_000554.6(CRX):c.650del (p.Gly217fs)

Gene: CRX (cone-rod homeobox; plus strand). Cytogenetic location: 19q13.33.
Variant type: Deletion.
Coding change: c.650del on transcript NM_000554.6 (MANE Select); coding-DNA position 650, one base deleted (G; older notation c.650delG).
Protein change: p.Gly217fs; shifts the reading frame from glycine 217.
Molecular consequence: frameshift variant.
Genome position (GRCh38, 1-based): chr19:47,839,717, G deleted; the last of 2 consecutive G bases (chr19:47,839,716-47,839,717); deleting either gives the same sequence. VCF-style (leftmost placement, unchanged base first): chr19-47839715-CG-C. GRCh37 (hg19) VCF-style: chr19-48342972-CG-C.
Other names: short protein forms G217fs.
Identifiers: ClinVar variation 99619 (VCV000099619.5), dbSNP rs281865517, ClinGen allele CA227642.

ClinVar aggregate classification (germline): Pathogenic. Review status: criteria provided, single submitter (1 of 4 stars). 3 submissions from 3 submitters: Pathogenic (1). 2 of the submissions do not count toward it. Last evaluated 2019-09-12.

Conditions:
Leber congenital amaurosis 7 (LCA7). Identifiers: Orphanet 65, MedGen C3151192, MONDO:0013449, OMIM 613829.

Submissions (3):

GeneDx
Classification: Pathogenic. Last evaluated: 2019-09-12. Review status: criteria provided, single submitter. Criteria: GeneDx Variant Classification Process June 2021. Collection method: clinical testing. Allele origin: germline. Affected: yes.
Comment: Frameshift variant in the C-terminus predicted to result in protein truncation, as the last 83 amino acids are lost and replaced with 1 incorrect amino acid (Stenson et al., 2014); Not observed in large population cohorts (Lek et al., 2016); This variant is associated with the following publications: (PMID: 30894134, 17320181, 11748842, 11910559, 11449318, 9804150, 9537410)

OMIM
Classification: Pathogenic for LEBER CONGENITAL AMAUROSIS 7. Last evaluated: 1998-04-01. Review status: no assertion criteria provided. Collection method: literature only. Allele origin: germline. Not counted in ClinVar's aggregate classification.

Retina International
No classification provided. Review status: no classification provided. Collection method: not provided. Allele origin: not provided. Not counted in ClinVar's aggregate classification.

Literature cited by the submitters: PubMed 9537410 (cited by OMIM).